The following is an entry in ClinVar:

ClinVar aggregate classification (germline): Uncertain significance. Review status: criteria provided, multiple submitters, no conflicts (2 of 4 stars). 5 submissions from 5 submitters: Uncertain significance (5). Last evaluated 2026-03-15.

Conditions:
NPHP4-related disorder. Also called: NPHP4-related condition; NPHP4-related disorders. Identifiers: MedGen CN239384.
Nephronophthisis. Also called: Juvenile Nephronophthisis. Identifiers: Orphanet 655, MedGen C0687120, MONDO:0019005, HP:0000090.
Senior-Loken syndrome 4 (SLSN4). Identifiers: Orphanet 3156, MedGen C1846979, MONDO:0011756, OMIM 606996.
Nephronophthisis 4 (NPHP4). Also called: NEPHRONOPHTHISIS 4, JUVENILE. Identifiers: Orphanet 655, MedGen C1847013, MONDO:0011752, OMIM 606966.

Allele frequency attached by ClinVar (database versions not stated): ExAC 0.00001; gnomAD 0.00001; TOPMed 0.00001; gnomAD exomes 0.00001.
gnomAD v4.1: 15 of 1,613,174 alleles (0.00093%); highest among the groups gnomAD compares: Admixed American, 0.005%; no homozygotes.

Submissions (5):

PreventionGenetics, part of Exact Sciences
Classification: Uncertain significance for NPHP4-related condition. Last evaluated: 2026-03-15. Review status: criteria provided, single submitter. Criteria: ACMG Guidelines, 2015. Collection method: clinical testing. Allele origin: germline.
Comment: The NPHP4 c.3404G>A variant is predicted to result in the amino acid substitution p.Arg1135His. To our knowledge, this variant has not been reported in the literature. This variant is reported in 0.0058% of alleles in individuals of Latino descent in gnomAD. At this time, the clinical significance of this variant is uncertain due to the absence of conclusive functional and genetic evidence.

Labcorp Genetics (formerly Invitae), Labcorp
Classification: Uncertain significance for Nephronophthisis. Last evaluated: 2025-05-05. Review status: criteria provided, single submitter. Criteria: Invitae Variant Classification Sherloc (09022015). Collection method: clinical testing. Allele origin: germline.
Comment: This sequence change replaces arginine, which is basic and polar, with histidine, which is basic and polar, at codon 1135 of the NPHP4 protein (p.Arg1135His). This variant is present in population databases (rs763251283, gnomAD 0.006%). This variant has not been reported in the literature in individuals affected with NPHP4-related conditions. ClinVar contains an entry for this variant (Variation ID: 502708). Invitae Evidence Modeling of protein sequence and biophysical properties (such as structural, functional, and spatial information, amino acid conservation, physicochemical variation, residue mobility, and thermodynamic stability) indicates that this missense variant is expected to disrupt NPHP4 protein function with a positive predictive value of 80%. In summary, the available evidence is currently insufficient to determine the role of this variant in disease. Therefore, it has been classified as a Variant of Uncertain Significance.

Fulgent Genetics
Classification: Uncertain significance for Nephronophthisis 4; Senior-Loken syndrome 4. Last evaluated: 2024-05-17. Review status: criteria provided, single submitter. Criteria: ACMG Guidelines, 2015. Collection method: clinical testing. Allele origin: germline.

Blueprint Genetics
Classification: Uncertain significance. Last evaluated: 2022-06-17. Review status: criteria provided, single submitter. Criteria: ACMG Guidelines, 2015. Collection method: clinical testing. Allele origin: germline.

Eurofins Ntd Llc (ga)
Classification: Uncertain significance. Last evaluated: 2017-06-23. Review status: criteria provided, single submitter. Criteria: EGL Classification Definitions 2015. Collection method: clinical testing. Allele origin: germline. Observed: 1 variant allele, 1 heterozygote.

NM_015102.5(NPHP4):c.3404G>A (p.Arg1135His)

Gene: NPHP4 (nephrocystin 4; minus strand). Cytogenetic location: 1p36.31.
Variant type: single nucleotide variant.
Coding change: c.3404G>A on transcript NM_015102.5 (MANE Select); coding-DNA position 3404, G replaced by A.
Protein change: p.Arg1135His; replaces arginine 1135 with histidine.
Molecular consequence: missense variant. On other transcripts: non-coding transcript variant (1).
Genome position (GRCh38, 1-based): chr1:5,867,808, C>T on the plus strand (G>A on the coding strand, the complement: NPHP4 is on the minus strand). VCF-style: chr1-5867808-C-T. GRCh37 (hg19) VCF-style: chr1-5927868-C-T.
Other names: c.3404G>A (NM_015102.4); c.1865G>A, p.Arg622His (NM_001291593.2); c.1868G>A, p.Arg623His (NM_001291594.2); short protein forms R1135H, R622H, R623H.
Identifiers: ClinVar variation 502708 (VCV000502708.14), dbSNP rs763251283, ClinGen allele CA553627.